The following is an entry in ClinVar:

NM_000059.4(BRCA2):c.3382A>T (p.Thr1128Ser)

Gene: BRCA2 (BRCA2 DNA repair associated; plus strand). Cytogenetic location: 13q13.1.
Variant type: single nucleotide variant.
Coding change: c.3382A>T on transcript NM_000059.4 (MANE Select); coding-DNA position 3382, A replaced by T.
Protein change: p.Thr1128Ser; replaces threonine 1128 with serine.
Molecular consequence: missense variant.
Genome position (GRCh38, 1-based): chr13:32,337,737, A>T. VCF-style: chr13-32337737-A-T. GRCh37 (hg19) VCF-style: chr13-32911874-A-T.
Other names: short protein forms T1128S.
Identifiers: ClinVar variation 462291 (VCV000462291.10), dbSNP rs730881523, ClinGen allele CA387776431.

ClinVar aggregate classification (germline): Conflicting classifications of pathogenicity. Review status: criteria provided, conflicting classifications (1 of 4 stars). 2 submissions from 2 submitters: Uncertain significance (1); Likely benign (1). Last evaluated 2023-03-23.

Conditions:
Hereditary breast ovarian cancer syndrome. Also called: Hereditary breast and ovarian cancer syndrome (HBOC); Hereditary breast and ovarian cancer syndrome; Breast and ovarian cancer; Hereditary breast and/or ovarian cancer syndrome; Hereditary breast and ovarian cancer; BRCA1- and BRCA2-Associated Hereditary Breast and Ovarian Cancer. Identifiers: Orphanet 145, MedGen C0677776, MeSH D061325, MONDO:0003582. Disease mechanism: loss of function.
Hereditary cancer-predisposing syndrome. Also called: Neoplastic Syndromes, Hereditary; Hereditary Cancer Syndrome; Hereditary neoplastic syndrome; Tumor predisposition. Identifiers: Orphanet 140162, MedGen C0027672, MeSH D009386, MONDO:0015356.

Submissions (2):

University of Washington Department of Laboratory Medicine, University of Washington
Classification: Likely benign for Hereditary cancer-predisposing syndrome. Last evaluated: 2023-03-23. Review status: criteria provided, single submitter. Criteria: Dines et al. (Genet Med. 2020). Collection method: curation. Allele origin: germline.
Comment: Missense variant in a coldspot region where missense variants are very unlikely to be pathogenic (PMID:31911673).

BRCA2 exon 11 coldspot. Reclassification based on statistical prior probability.

Labcorp Genetics (formerly Invitae), Labcorp
Classification: Uncertain significance for Hereditary breast ovarian cancer syndrome. Last evaluated: 2017-05-13. Review status: criteria provided, single submitter. Criteria: Invitae Variant Classification Sherloc (09022015). Collection method: clinical testing. Allele origin: germline.
Comment: This sequence change replaces threonine with serine at codon 1128 of the BRCA2 protein (p.Thr1128Ser). The threonine residue is highly conserved and there is a small physicochemical difference between threonine and serine. This variant is not present in population databases (ExAC no frequency) and has not been reported in the literature in individuals with a BRCA2-related disease. Algorithms developed to predict the effect of missense changes on protein structure and function (SIFT, PolyPhen-2, Align-GVGD) all suggest that this variant is likely to be disruptive, but these predictions have not been confirmed by published functional studies. In summary, this variant is a novel missense change with uncertain impact on protein function. It has been classified as a Variant of Uncertain Significance.